The following continues an entry in ClinVar:

NM_000199.5(SGSH):c.734G>A (p.Arg245His)

ClinVar aggregate classification (germline): Pathogenic. Pathogenic (23).

Submissions 14 to 31 of 31:

Myriad Genetics, Inc.
Classification: Pathogenic for Mucopolysaccharidosis, MPS-III-A. Last evaluated: 2019-12-20. Review status: criteria provided, single submitter. Criteria: Myriad Women's Health Autosomal Recessive and X-Linked Classification Criteria (2019). Collection method: clinical testing. Allele origin: unknown.
Comment: NM_000199.3(SGSH):c.734G>A(R245H) is classified as pathogenic in the context of mucopolysaccharidosis type IIIA. Sources cited for classification include the following: PMID 22976788, 21061399, 26787381 and 10601282. Classification of NM_000199.3(SGSH):c.734G>A(R245H) is based on the following criteria: This is a well-established pathogenic variant in the literature that has been observed more frequently in patients with clinical diagnoses than in healthy populations. Please note: this variant was assessed in the context of healthy population screening.

Genetics and Molecular Pathology, SA Pathology
Classification: Pathogenic for Mucopolysaccharidosis, MPS-III-A. Last evaluated: 2019-07-15. Review status: criteria provided, single submitter. Criteria: ACMG Guidelines, 2015. Collection method: clinical testing. Allele origin: germline. Affected: yes.
Comment: PS3, PS4, PP3

Laboratory of Diagnosis and Therapy of Lysosomal Disorders, University of Padova
Classification: Pathogenic for Mucopolysaccharidosis, MPS-III-A. Last evaluated: 2019-01-01. Review status: criteria provided, single submitter. Criteria: ACMG Guidelines, 2015. Collection method: literature only. Allele origin: germline. Affected: yes.
Comment: PS3: Low/absent in vivo enzymatic activity in homozygote; Low in vitro enzymatic activity. PS4: The prevalence of the variant in affected individuals is significantly increase compared with the prevalence in controls. PM2: Absent from GnomAD

Center for Pediatric Genomic Medicine, Children's Mercy Hospital and Clinics
Classification: Pathogenic. Last evaluated: 2017-05-24. Review status: criteria provided, single submitter. Criteria: ACMG Guidelines, 2015. Collection method: clinical testing. Allele origin: germline.

Illumina Laboratory Services, Illumina
Classification: Pathogenic for Mucopolysaccharidosis, MPS-III-A. Last evaluated: 2017-04-27. Review status: criteria provided, single submitter. Criteria: ICSL Variant Classification Criteria 09 May 2019. Collection method: clinical testing. Allele origin: germline.
Comment: The SGSH c.734G>A (p.Arg245His) variant is one of the most commonly detected variants in individuals with mucopolysaccharidosis type III, accounting for up to 58% of disease alleles in some European populations (Fedele et al. 2015). Across a selection of the available literature, the p.Arg245His variant has been identified in a homozygous state in 37 individuals, in a compound heterozygous state in 75 individuals, and in a heterozygous state in two individuals (Blanch et al. 1997; Weber et al. 1998; Meyer et al. 2008; Valstar et al. 2010; Wilkin et al. 2016). The variant was absent from 20 control alleles but is reported at a frequency of 0.00060 in the European (non-Finnish) population of the Exome Aggregation Consortium. The Arg245 residue is not conserved among human sulphatases. Functional studies showed that the p.Arg245His variant protein is expressed at a lower level than wild type, affects protein stability, and results in 83% of normal activity (Perkins et al. 1999; Sidhu et al. 2014). Based on the collective evidence, the p.Arg245His variant is classified as pathogenic for mucopolysaccharidosis type III. This variant was observed by ICSL as part of a predisposition screen in an ostensibly healthy population.

Women's Health and Genetics/Laboratory Corporation of America, LabCorp
Classification: Pathogenic for Sanfilippo syndrome. Last evaluated: 2016-06-26. Review status: criteria provided, single submitter. Criteria: LabCorp Variant Classification Summary - May 2015. Collection method: clinical testing. Allele origin: germline.
Comment: Variant summary: The SGSH c.734G>A (p.Arg245His) variant causes a missense change involving a conserved nucleotide with 4/4 in silico tools (SNPs&GO not captured due to low reliability index) predicting a damaging outcome. The variant of interest was observed in the large, broad control population, ExAC, with an allele frequency of 30/72670 (1/2422), which does not exceed the estimated maximal expected allele frequency for a pathogenic SGSH variant of 1/309. The variant of interest has been reported in multiple affected individuals as homozygotes and compound heterozygotes via publications. In addition, multiple reputable databases/clinical laboratories cite the variant as "pathogenic." Therefore, taking all available lines of evidence into consideration, the variant of interest is classified as Pathogenic.

Eurofins Ntd Llc (ga)
Classification: Pathogenic. Last evaluated: 2015-10-01. Review status: criteria provided, single submitter. Criteria: EGL Classification Definitions. Collection method: clinical testing. Allele origin: germline. Observed: 29 variant alleles, 26 heterozygotes, 3 homozygotes.

Clinical Genetics DNA and cytogenetics Diagnostics Lab, Erasmus MC, Erasmus Medical Center
Classification: Pathogenic for Mucopolysaccharidosis, MPS-III-A. Last evaluated: 2015-09-21. Review status: criteria provided, single submitter. Criteria: ACGS Guidelines, 2013. Collection method: clinical testing. Allele origin: germline. Affected: yes. Study: VKGL Data-share Consensus.

Ambry Genetics
Classification: Pathogenic for Inborn genetic diseases. Last evaluated: 2014-09-07. Review status: criteria provided, single submitter. Criteria: Ambry exome assertion method (8-5-2015). Collection method: clinical testing. Allele origin: germline. Affected: yes. Observed: 1 variant allele.

Neuberg Centre For Genomic Medicine, NCGM
Classification: Pathogenic for Mucopolysaccharidosis, MPS-III-A. Review status: criteria provided, single submitter. Criteria: ACMG Guidelines, 2015. Collection method: clinical testing. Allele origin: germline. Inheritance: Autosomal recessive inheritance. Affected: yes.
Comment: The c.734G>A(p.Arg245His) missense variant in SGSH gene has been reported in individuals affected with mucopolysaccharidosis type IIIA (Wilkin et al., 2016). Experimental studies have shown that this missense change affects SGSH function (Perkins et al., 1999). This variant is reported with the allele frequency (0.03%) in the gnomAD and novel in 1000 genome database. This variant has been reported to the ClinVar database as Pathogenic. The amino acid Arg at position 245 is changed to a His changing protein sequence and it might alter its composition and physico-chemical properties. For these reasons, this variant has been classified as Pathogenic.

PreventionGenetics, part of Exact Sciences
Classification: Pathogenic for SGSH-related condition. Last evaluated: 2024-05-23. Review status: no assertion criteria provided. Collection method: clinical testing. Allele origin: germline. Not counted in ClinVar's aggregate classification.
Comment: The SGSH c.734G>A variant is predicted to result in the amino acid substitution p.Arg245His. This variant was documented to be pathogenic for Sanfilippo syndrome type A (Blanch et al. 1997. PubMed ID: 9158154; Nijmeijer et al. 2019. PubMed ID: 31718697; Ugrinov et al. 2015. PubMed ID: 25807448). At PreventionGenetics, we have also previously identified this variant in affected patients. This variant is reported in 0.065% of alleles in individuals of European (Non-Finnish) descent in gnomAD. This variant is interpreted as pathogenic.

Mayo Clinic Laboratories, Mayo Clinic
Classification: Pathogenic. Last evaluated: 2017-04-19. Review status: no assertion criteria provided. Collection method: clinical testing. Allele origin: unknown. Not counted in ClinVar's aggregate classification.

OMIM
Classification: Pathogenic for MUCOPOLYSACCHARIDOSIS, TYPE IIIA. Last evaluated: 1998-06-01. Review status: no assertion criteria provided. Collection method: literature only. Allele origin: germline. Not counted in ClinVar's aggregate classification.

Diagnostic Laboratory, Department of Genetics, University Medical Center Groningen
Classification: Pathogenic for Mucopolysaccharidosis, MPS-III-A. Review status: no assertion criteria provided. Collection method: clinical testing. Allele origin: germline. Affected: yes. Study: VKGL Data-share Consensus. Not counted in ClinVar's aggregate classification.

GeneReviews
No classification provided. Condition: Mucopolysaccharidosis. Review status: no classification provided. Collection method: literature only. Allele origin: germline. Not counted in ClinVar's aggregate classification.

Genomics England Pilot Project, Genomics England
Classification: Likely pathogenic for Mucopolysaccharidosis, MPS-III-A. Review status: no assertion criteria provided. Criteria: ACGS Guidelines, 2016. Collection method: clinical testing. Allele origin: germline. Affected: yes. Not counted in ClinVar's aggregate classification.

Institute of Human Genetics, University of Wuerzburg
Classification: Pathogenic for Neurodegeneration. Review status: no assertion criteria provided. Collection method: clinical testing. Allele origin: unknown. Affected: yes. Observed: 1 variant allele. Not counted in ClinVar's aggregate classification.

Joint Genome Diagnostic Labs from Nijmegen and Maastricht, Radboudumc and MUMC+
Classification: Pathogenic. Review status: no assertion criteria provided. Collection method: clinical testing. Allele origin: germline. Affected: yes. Study: VKGL Data-share Consensus. Not counted in ClinVar's aggregate classification.

Literature cited by the submitters: PubMed 9158154 (cited by 6 submitters); PubMed 9700599 (cited by 6 submitters); PubMed 15146460 (cited by Labcorp Genetics (formerly Invitae), Labcorp and Variantyx, Inc.); PubMed 21061399 (cited by 5 submitters); PubMed 22976768 (cited by Labcorp Genetics (formerly Invitae), Labcorp and Variantyx, Inc.); PubMed 26331342 (cited by 3 submitters); PubMed 10601282 (cited by 4 submitters); PubMed 21204211 (cited by Natera, Inc.); PubMed 34991944 (cited by Variantyx, Inc.); PubMed 22976788 (cited by Myriad Genetics, Inc.); PubMed 26787381 (cited by Myriad Genetics, Inc.); PubMed 9401012 (cited by Laboratory of Diagnosis and Therapy of Lysosomal Disorders, University of Padova); PubMed 9285796 (cited by Laboratory of Diagnosis and Therapy of Lysosomal Disorders, University of Padova); PubMed 11343308 (cited by Laboratory of Diagnosis and Therapy of Lysosomal Disorders, University of Padova); PubMed 18407553 (cited by 3 submitters); PubMed 30809705 (cited by Laboratory of Diagnosis and Therapy of Lysosomal Disorders, University of Padova); PubMed 26648750 (cited by Illumina Laboratory Services, Illumina); PubMed 24816101 (cited by Illumina Laboratory Services, Illumina); PubMed 12490062 (cited by GeneReviews); PubMed 31536183 (cited by GeneReviews).